The following is an entry in ClinVar:

NM_005506.4(SCARB2):c.764C>T (p.Ser255Phe)

Gene: SCARB2 (scavenger receptor class B member 2; minus strand). Cytogenetic location: 4q21.1.
Variant type: single nucleotide variant.
Coding change: c.764C>T on transcript NM_005506.4 (MANE Select); coding-DNA position 764, C replaced by T.
Protein change: p.Ser255Phe; replaces serine 255 with phenylalanine.
Molecular consequence: missense variant.
Genome position (GRCh38, 1-based): chr4:76,175,851, G>A on the plus strand (C>T on the coding strand, the complement: SCARB2 is on the minus strand). VCF-style: chr4-76175851-G-A. GRCh37 (hg19) VCF-style: chr4-77097004-G-A.
Other names: c.335C>T, p.Ser112Phe (NM_001204255.2); short protein forms S112F, S255F.
Identifiers: ClinVar variation 1359753 (VCV001359753.6), dbSNP rs1211983888, ClinGen allele CA357316274.

ClinVar aggregate classification (germline): Uncertain significance (1 of 4 stars; one submission).

Conditions:
Progressive myoclonic epilepsy. Also called: Myoclonic Epilepsies, Progressive; Progressive myoclonus epilepsy; Familial progressive myoclonic epilepsy; Myoclonus epilepsy. Identifiers: Orphanet 308, Orphanet 98261, MedGen C0751778, MONDO:0020074.

Allele frequency attached by ClinVar (database versions not stated): TOPMed below 0.00001.

Submission:

Labcorp Genetics (formerly Invitae), Labcorp
Classification: Uncertain significance for Progressive myoclonic epilepsy. Last evaluated: 2021-10-15. Review status: criteria provided, single submitter. Criteria: Invitae Variant Classification Sherloc (09022015). Collection method: clinical testing. Allele origin: germline.
Comment: In summary, the available evidence is currently insufficient to determine the role of this variant in disease. Therefore, it has been classified as a Variant of Uncertain Significance. Algorithms developed to predict the effect of missense changes on protein structure and function (SIFT, PolyPhen-2, Align-GVGD) all suggest that this variant is likely to be tolerated. This variant has not been reported in the literature in individuals affected with SCARB2-related conditions. This variant is not present in population databases (ExAC no frequency). This sequence change replaces serine with phenylalanine at codon 255 of the SCARB2 protein (p.Ser255Phe). The serine residue is moderately conserved and there is a large physicochemical difference between serine and phenylalanine.